The following is an entry in ClinVar:

NM_020937.4(FANCM):c.809G>C (p.Arg270Pro)

Gene: FANCM (FA complementation group M; plus strand). Cytogenetic location: 14q21.2.
Variant type: single nucleotide variant.
Coding change: c.809G>C on transcript NM_020937.4 (MANE Select); coding-DNA position 809, G replaced by C.
Protein change: p.Arg270Pro; replaces arginine 270 with proline.
Molecular consequence: missense variant.
Genome position (GRCh38, 1-based): chr14:45,148,886, G>C. VCF-style: chr14-45148886-G-C. GRCh37 (hg19) VCF-style: chr14-45618089-G-C.
Other names: c.731G>C, p.Arg244Pro (NM_001308133.2); c.809G>C, p.Arg270Pro (NM_001308134.2); short protein forms R244P, R270P.
Identifiers: ClinVar variation 3576574 (VCV003576574.2).

ClinVar aggregate classification (germline): Uncertain significance. Review status: criteria provided, multiple submitters, no conflicts (2 of 4 stars). 2 submissions from 2 submitters: Uncertain significance (2). Last evaluated 2025-01-24.

Conditions:
Inborn genetic diseases. Identifiers: MedGen C0950123, MeSH D030342.
Spermatogenic failure 28. Identifiers: MedGen C4748117, MONDO:0054732, OMIM 618086.
Premature ovarian failure 15. Identifiers: MedGen C4748170, MONDO:0054862, OMIM 618096.

Submissions (2):

Ambry Genetics
Classification: Uncertain significance for Inborn genetic diseases. Last evaluated: 2025-01-24. Review status: criteria provided, single submitter. Criteria: Ambry Variant Classification Scheme 2023. Collection method: clinical testing. Allele origin: germline.
Comment: The p.R270P variant (also known as c.809G>C), located in coding exon 4 of the FANCM gene, results from a G to C substitution at nucleotide position 809. The arginine at codon 270 is replaced by proline, an amino acid with dissimilar properties. This amino acid position is conserved. In addition, the in silico prediction for this alteration is inconclusive. Based on the available evidence, the clinical significance of this variant remains unclear.

Fulgent Genetics
Classification: Uncertain significance for Spermatogenic failure 28; Premature ovarian failure 15. Last evaluated: 2024-01-29. Review status: criteria provided, single submitter. Criteria: ACMG Guidelines, 2015. Collection method: clinical testing. Allele origin: germline.